The following is an entry in ClinVar:

ClinVar aggregate classification (germline): Uncertain significance (1 of 4 stars; one submission).

Submission:

GeneDx
Classification: Uncertain significance. Last evaluated: 2026-03-13. Review status: criteria provided, single submitter. Criteria: GeneDx Variant Classification Process June 2021. Collection method: clinical testing. Allele origin: germline.
Comment: Not observed at significant frequency in large population cohorts (gnomAD); In silico analysis supports that this missense variant has a deleterious effect on protein structure/function; Has not been previously published as pathogenic or benign to our knowledge; This variant is associated with the following publications: (PMID: 25240749)

NM_001854.4(COL11A1):c.3664G>T (p.Gly1222Cys)

Gene: COL11A1 (collagen type XI alpha 1 chain; minus strand). Cytogenetic location: 1p21.1.
Variant type: single nucleotide variant.
Coding change: c.3664G>T on transcript NM_001854.4 (MANE Select); coding-DNA position 3664, G replaced by T.
Protein change: p.Gly1222Cys; replaces glycine 1222 with cysteine.
Molecular consequence: missense variant. On other transcripts: non-coding transcript variant (1).
Genome position (GRCh38, 1-based): chr1:102,921,562, C>A on the plus strand (G>T on the coding strand, the complement: COL11A1 is on the minus strand). VCF-style: chr1-102921562-C-A. GRCh37 (hg19) VCF-style: chr1-103387118-C-A.
Other names: c.3547G>T, p.Gly1183Cys (NM_001190709.2); c.3700G>T, p.Gly1234Cys (NM_080629.3); c.3316G>T, p.Gly1106Cys (NM_080630.4); short protein forms G1106C, G1183C, G1222C, G1234C.
Identifiers: ClinVar variation 4891351 (VCV004891351.1).